The following is an entry in ClinVar:

ClinVar aggregate classification (germline): Uncertain significance (1 of 4 stars; one submission).

Conditions:
BBS7-related disorder. Also called: BBS7-related condition.

gnomAD v4.1: 7 of 1,613,890 alleles (0.00043%); highest among the groups gnomAD compares: Non-Finnish European, 0.00059%; no homozygotes.

Submission:

PreventionGenetics, part of Exact Sciences
Classification: Uncertain significance for BBS7-related condition. Last evaluated: 2026-05-27. Review status: criteria provided, single submitter. Criteria: ACMG Guidelines, 2015. Collection method: clinical testing. Allele origin: germline.
Comment: The BBS7 c.1561C>T variant is predicted to result in the amino acid substitution p.His521Tyr. To our knowledge, this variant has not been reported in the literature or in a large population database (gnomAD), indicating this variant is rare. At this time, the clinical significance of this variant is uncertain due to the absence of conclusive functional and genetic evidence.

NM_176824.3(BBS7):c.1561C>T (p.His521Tyr)

Gene: BBS7 (Bardet-Biedl syndrome 7; minus strand). Cytogenetic location: 4q27.
Variant type: single nucleotide variant.
Coding change: c.1561C>T on transcript NM_176824.3 (MANE Select); coding-DNA position 1561, C replaced by T.
Protein change: p.His521Tyr; replaces histidine 521 with tyrosine.
Molecular consequence: missense variant.
Genome position (GRCh38, 1-based): chr4:121,833,346, G>A on the plus strand (C>T on the coding strand, the complement: BBS7 is on the minus strand). VCF-style: chr4-121833346-G-A. GRCh37 (hg19) VCF-style: chr4-122754501-G-A.
Other names: c.1561C>T, p.His521Tyr (NM_018190.4); short protein forms H521Y.
Identifiers: ClinVar variation 4994927 (VCV004994927.1).